The following is an entry in ClinVar:

NM_003151.4(STAT4):c.2177C>A (p.Ala726Glu)

Genes: STAT4 (signal transducer and activator of transcription 4; minus strand), STAT4-AS1 (STAT4 antisense RNA 1; plus strand). Cytogenetic location: 2q32.2.
Variant type: single nucleotide variant.
Coding change: c.2177C>A on transcript NM_003151.4 (MANE Select); coding-DNA position 2177, C replaced by A.
Protein change: p.Ala726Glu; replaces alanine 726 with glutamic acid.
Molecular consequence: missense variant. On other transcripts: non-coding transcript variant (1).
Genome position (GRCh38, 1-based): chr2:191,031,015, G>T on the plus strand (C>A on the coding strand, the complement: STAT4 is on the minus strand). VCF-style: chr2-191031015-G-T. GRCh37 (hg19) VCF-style: chr2-191895741-G-T.
Other names: c.2177C>A, p.Ala726Glu (NM_001243835.2); short protein forms A726E.
Identifiers: ClinVar variation 4762355 (VCV004762355.1).
Genomic context (GRCh38, chr2:191,031,015, plus strand): 5'-AAATAAAGGGAACATACTGCAGTTTCAATTGTTGTGGGACTCAGGTTTTCTCTCAACACC[G>T]CATACACACTTGGAGACATGGGAAGAAGGTCTGATGGAGAATGTGGCTCTGTTGAATCAC-3'
Protein context (NP_003142.1, residues 716-736): DLLPMSPSVY[Ala726Glu]VLRENLSPTT

ClinVar aggregate classification (germline): Uncertain significance (1 of 4 stars; one submission).

Submission:

Labcorp Genetics (formerly Invitae), Labcorp
Classification: Uncertain significance. Last evaluated: 2025-04-27. Review status: criteria provided, single submitter. Criteria: Invitae Variant Classification Sherloc (09022015). Collection method: clinical testing. Allele origin: germline.
Comment: This sequence change replaces alanine, which is neutral and non-polar, with glutamic acid, which is acidic and polar, at codon 726 of the STAT4 protein (p.Ala726Glu). This variant is not present in population databases (gnomAD no frequency). This variant has not been reported in the literature in individuals affected with STAT4-related conditions. An algorithm developed to predict the effect of missense changes on protein structure and function (PolyPhen-2) suggests that this variant is likely to be tolerated. In summary, the available evidence is currently insufficient to determine the role of this variant in disease. Therefore, it has been classified as a Variant of Uncertain Significance.